The following is an entry in ClinVar:

NM_007294.4(BRCA1):c.2879G>C (p.Gly960Ala)

Gene: BRCA1 (BRCA1 DNA repair associated; minus strand). Cytogenetic location: 17q21.31.
Variant type: single nucleotide variant.
Coding change: c.2879G>C on transcript NM_007294.4 (MANE Select); coding-DNA position 2879, G replaced by C.
Protein change: p.Gly960Ala; replaces glycine 960 with alanine.
Molecular consequence: missense variant. On other transcripts: intron variant (137).
Genome position (GRCh38, 1-based): chr17:43,092,652, C>G on the plus strand (G>C on the coding strand, the complement: BRCA1 is on the minus strand). VCF-style: chr17-43092652-C-G. GRCh37 (hg19) VCF-style: chr17-41244669-C-G.
Other names: c.2666G>C, p.Gly889Ala (NM_001407917.1, NM_001407918.1, NM_001407571.1 and 9 more transcripts); c.2756G>C, p.Gly919Ala (NM_001407919.1, NM_001407937.1, NM_001407938.1 and 19 more transcripts); c.2615G>C, p.Gly872Ala (NM_001407920.1, NM_001407921.1, NM_001407922.1 and 9 more transcripts); c.2612G>C, p.Gly871Ala (NM_001407930.1, NM_001407931.1, NM_001407932.1 and 2 more transcripts); c.2753G>C, p.Gly918Ala (NM_001407940.1, NM_001407941.1, NM_001407649.1 and 11 more transcripts); c.2738G>C, p.Gly913Ala (NM_001407942.1, NM_001407944.1, NM_001407945.1 and 29 more transcripts); c.2735G>C, p.Gly912Ala (NM_001407943.1, NM_001407964.1, NM_001407740.1 and 20 more transcripts); c.2546G>C, p.Gly849Ala (NM_001407946.1, NM_001407947.1, NM_001407948.1 and 6 more transcripts); and 41 more; short protein forms G849A, G872A, G933A, G959A, G664A, G792A, G893A, G912A.
Identifiers: ClinVar variation 1797141 (VCV001797141.4), dbSNP rs397509022, ClinGen allele CA10596229.
Genomic context (GRCh38, chr17:43,092,652, plus strand): 5'-ATACGATATGGGTTTTGTAAAAGTCCATGTTTATTTGGAGTAATGAGTCCAGTTTCGTTG[C>G]CTCTGAACTGAGATGATAGACAAAACCTAGAGCCTCCTTTGATACTACATTTGGCATTAT-3'
Protein context (NP_009225.1, residues 950-970): SRFCLSSQFR[Gly960Ala]NETGLITPNK

ClinVar aggregate classification (germline): Conflicting classifications of pathogenicity. Review status: criteria provided, conflicting classifications (1 of 4 stars). 2 submissions from 2 submitters: Uncertain significance (1); Likely benign (1). Last evaluated 2023-03-23.

Conditions:
Hereditary cancer-predisposing syndrome. Also called: Tumor predisposition; Hereditary Cancer Syndrome; Neoplastic Syndromes, Hereditary; Hereditary neoplastic syndrome. Identifiers: Orphanet 140162, MedGen C0027672, MeSH D009386, MONDO:0015356.

Submissions (2):

University of Washington Department of Laboratory Medicine, University of Washington
Classification: Likely benign for Hereditary cancer-predisposing syndrome. Last evaluated: 2023-03-23. Review status: criteria provided, single submitter. Criteria: Dines et al. (Genet Med. 2020). Collection method: curation. Allele origin: germline.
Comment: Missense variant in a coldspot region where missense variants are very unlikely to be pathogenic (PMID:31911673).

BRCA1 coldspot (exon 11 using historical exon numbering). Reclassification based on statistical prior probability

Ambry Genetics
Classification: Uncertain significance for Hereditary cancer-predisposing syndrome. Last evaluated: 2022-07-23. Review status: criteria provided, single submitter. Criteria: Ambry Variant Classification Scheme 2023. Collection method: clinical testing. Allele origin: germline.
Comment: The p.G960A variant (also known as c.2879G>C), located in coding exon 9 of the BRCA1 gene, results from a G to C substitution at nucleotide position 2879. The glycine at codon 960 is replaced by alanine, an amino acid with similar properties. This amino acid position is conserved. In addition, the in silico prediction for this alteration is inconclusive. Since supporting evidence is limited at this time, the clinical significance of this alteration remains unclear.